The following is an entry in ClinVar:

ClinVar aggregate classification (germline): Uncertain significance (1 of 4 stars; one submission).

Submission:

GeneDx
Classification: Uncertain significance. Last evaluated: 2024-05-20. Review status: criteria provided, single submitter. Criteria: GeneDx Variant Classification Process June 2021. Collection method: clinical testing. Allele origin: germline. Affected: yes.
Comment: In silico analysis supports that this missense variant has a deleterious effect on protein structure/function; Not observed at significant frequency in large population cohorts (gnomAD); Has not been previously published as pathogenic or benign to our knowledge

NM_022552.5(DNMT3A):c.1901T>C (p.Ile634Thr)

Gene: DNMT3A (DNA methyltransferase 3 alpha; minus strand). Cytogenetic location: 2p23.3.
Variant type: single nucleotide variant.
Coding change: c.1901T>C on transcript NM_022552.5 (MANE Select); coding-DNA position 1901, T replaced by C.
Protein change: p.Ile634Thr; replaces isoleucine 634 with threonine.
Molecular consequence: missense variant. On other transcripts: non-coding transcript variant (1).
Genome position (GRCh38, 1-based): chr2:25,243,933, A>G on the plus strand (T>C on the coding strand, the complement: DNMT3A is on the minus strand). VCF-style: chr2-25243933-A-G. GRCh37 (hg19) VCF-style: chr2-25466802-A-G.
Other names: c.1445T>C, p.Ile482Thr (NM_001320893.1); c.1232T>C, p.Ile411Thr (NM_001375819.1); c.1334T>C, p.Ile445Thr (NM_153759.3); c.1901T>C, p.Ile634Thr (NM_175629.2); short protein forms I411T, I445T, I482T, I634T.
Identifiers: ClinVar variation 3381682 (VCV003381682.1).